The following is an entry in ClinVar:

NM_000138.5(FBN1):c.62C>T (p.Thr21Met)

Genes: FBN1 (fibrillin 1; minus strand), LOC130057019 (ATAC-STARR-seq lymphoblastoid silent region 6417; plus strand). Cytogenetic location: 15q21.1.
Variant type: single nucleotide variant.
Coding change: c.62C>T on transcript NM_000138.5 (MANE Select); coding-DNA position 62, C replaced by T.
Protein change: p.Thr21Met; replaces threonine 21 with methionine.
Molecular consequence: missense variant.
Genome position (GRCh38, 1-based): chr15:48,644,708, G>A on the plus strand (C>T on the coding strand, the complement: FBN1 is on the minus strand). VCF-style: chr15-48644708-G-A. GRCh37 (hg19) VCF-style: chr15-48936905-G-A.
Other names: short protein forms T21M.
Identifiers: ClinVar variation 921512 (VCV000921512.15), dbSNP rs1489806847, ClinGen allele CA392453797.

ClinVar aggregate classification (germline): Conflicting classifications of pathogenicity. Review status: criteria provided, conflicting classifications (1 of 4 stars). 4 submissions from 4 submitters: Uncertain significance (3); Likely benign (1). Last evaluated 2026-01-12.

Conditions:
Familial thoracic aortic aneurysm and aortic dissection (TAAD). Also called: Thoracic aortic aneurysms and dissections. Identifiers: Orphanet 91387, MedGen C4707243, MONDO:0019625.
Marfan syndrome (MFS). Also called: Marfan syndrome, classic; Marfan syndrome type 1; Marfan's syndrome; FBN1-Related Marfan Syndrome; MARFAN SYNDROME, TYPE I. Identifiers: Orphanet 284963, Orphanet 558, MedGen C0024796, MONDO:0007947, OMIM 154700.

Allele frequency attached by ClinVar (database versions not stated): gnomAD exomes 0.00003 and 0.00001; gnomAD 0.00002; TOPMed 0.00002.
gnomAD v4.1: 12 of 1,613,976 alleles (0.00074%); highest among the groups gnomAD compares: Admixed American, 0.017%; no homozygotes.

Submissions (4):

Labcorp Genetics (formerly Invitae), Labcorp
Classification: Likely benign for Marfan syndrome; Familial thoracic aortic aneurysm and aortic dissection. Last evaluated: 2026-01-12. Review status: criteria provided, single submitter. Criteria: Invitae Variant Classification Sherloc (09022015). Collection method: clinical testing. Allele origin: germline.

All of Us Research Program, National Institutes of Health
Classification: Uncertain significance for Marfan syndrome. Last evaluated: 2024-08-29. Review status: criteria provided, single submitter. Criteria: ACMG Guidelines, 2015. Collection method: clinical testing. Allele origin: germline. Inheritance: Autosomal dominant inheritance. Observed: 3 variant alleles, 3 heterozygotes.
Comment: This missense variant replaces threonine with methionine at codon 21 of the FBN1 protein. Computational prediction suggests that this variant may not impact protein structure and function (internally defined REVEL score threshold <= 0.5, PMID: 27666373). To our knowledge, functional studies have not been reported for this variant. This variant has not been reported in individuals affected with cardiovascular disorders in the literature. This variant has been identified in 9/282722 chromosomes in the general population by the Genome Aggregation Database (gnomAD). The available evidence is insufficient to determine the role of this variant in disease conclusively. Therefore, this variant is classified as a Variant of Uncertain Significance.

This study involves interpretation of variants in research participants for the purpose of population health screening. Participant phenotype was not available at the time of variant classification. Additional details can be found in publication PMID: 35346344, PMCID: PMC8962531

Color Diagnostics, LLC DBA Color Health
Classification: Uncertain significance for Familial thoracic aortic aneurysm and aortic dissection. Last evaluated: 2024-02-09. Review status: criteria provided, single submitter. Criteria: ACMG Guidelines, 2015. Collection method: clinical testing. Allele origin: germline.
Comment: This missense variant replaces threonine with methionine at codon 21 of the FBN1 protein. Computational prediction tools indicate that this variant has a neutral impact on protein structure and function. To our knowledge, functional studies have not been reported for this variant. This variant has not been reported in individuals affected with FBN1-related disorders in the literature. This variant has been identified in 9/282722 chromosomes in the general population by the Genome Aggregation Database (gnomAD). The available evidence is insufficient to determine the role of this variant in disease conclusively. Therefore, this variant is classified as a Variant of Uncertain Significance.

Women's Health and Genetics/Laboratory Corporation of America, LabCorp
Classification: Uncertain significance. Last evaluated: 2019-03-04. Review status: criteria provided, single submitter. Criteria: LabCorp Variant Classification Summary - May 2015. Collection method: clinical testing. Allele origin: germline.
Comment: Variant summary: FBN1 c.62C>T (p.Thr21Met) results in a non-conservative amino acid change in the encoded protein sequence. Four of five in-silico tools predict a benign effect of the variant on protein function. The variant allele was found at a frequency of 3.6e-05 in 277066 control chromosomes, predominantly at a frequency of 0.00026 within the Latino subpopulation in the gnomAD database. The available data on variant occurrences in the general population are insufficient to allow any conclusion about variant significance. To our knowledge, no occurrence of c.62C>T in individuals affected with Marfan Syndrome and no experimental evidence demonstrating its impact on protein function have been reported. No clinical diagnostic laboratories have submitted clinical-significance assessments for this variant to ClinVar after 2014. Based on the evidence outlined above, the variant was classified as uncertain significance.